The following is an entry in ClinVar:

NM_000531.6(OTC):c.79T>C (p.Cys27Arg)

Gene: OTC (ornithine transcarbamylase; plus strand). Cytogenetic location: Xp11.4.
Variant type: single nucleotide variant.
Coding change: c.79T>C on transcript NM_000531.6 (MANE Select); coding-DNA position 79, T replaced by C.
Protein change: p.Cys27Arg; replaces cysteine 27 with arginine.
Molecular consequence: missense variant.
Genome position (GRCh38, 1-based): chrX:38,367,292, T>C. VCF-style: chrX-38367292-T-C. GRCh37 (hg19) VCF-style: chrX-38226545-T-C.
Other names: c.79T>C, p.Cys27Arg (NM_001407092.1); short protein forms C27R.
Identifiers: ClinVar variation 3360138 (VCV003360138.1).
Genomic context (GRCh38, chrX:38,367,292, plus strand): 5'-CATAGTACATGGGTCTTTTCTGAAATACATATTTCTCCCTTTTAAATCTCTTTTTACAGG[T>C]GTGGACAACCACTACAAAATAAAGTGCAGCTGAAGGGCCGTGACCTTCTCACTCTAAAAA-3'
Protein context (NP_000522.3, residues 17-37): GHNFMVRNFR[Cys27Arg]GQPLQNKVQL

ClinVar aggregate classification (germline): Uncertain significance (1 of 4 stars; one submission).

Submission:

GeneDx
Classification: Uncertain significance. Last evaluated: 2023-06-21. Review status: criteria provided, single submitter. Criteria: GeneDx Variant Classification Process June 2021. Collection method: clinical testing. Allele origin: germline. Affected: yes.
Comment: Not observed at significant frequency in large population cohorts (gnomAD); In silico analysis supports that this missense variant does not alter protein structure/function; Has not been previously published as pathogenic or benign to our knowledge